The following is an entry in ClinVar:

NM_015346.4(ZFYVE26):c.7189-3T>C

Gene: ZFYVE26 (zinc finger FYVE-type containing 26; minus strand). Cytogenetic location: 14q24.1.
Variant type: single nucleotide variant.
Coding change: c.7189-3T>C on transcript NM_015346.4 (MANE Select); 3 bases into the intron before coding-DNA position 7189, T replaced by C.
Molecular consequence: intron variant.
Genome position (GRCh38, 1-based): chr14:67,752,529, A>G on the plus strand (T>C on the coding strand, the complement: ZFYVE26 is on the minus strand). VCF-style: chr14-67752529-A-G. GRCh37 (hg19) VCF-style: chr14-68219246-A-G.
Identifiers: ClinVar variation 2143443 (VCV002143443.1), dbSNP rs752060381, ClinGen allele CA7239023.

ClinVar aggregate classification (germline): Uncertain significance (1 of 4 stars; one submission).

Conditions:
Spastic paraplegia. Identifiers: MedGen C0037772, HP:0001258.

Allele frequency attached by ClinVar (database versions not stated): gnomAD exomes 0.00001; TOPMed 0.00001; ExAC 0.00002; gnomAD 0.00002.
gnomAD v4.1: 19 of 1,614,178 alleles (0.0012%); highest among the groups gnomAD compares: East Asian, 0.036%; no homozygotes.

Submission:

Labcorp Genetics (formerly Invitae), Labcorp
Classification: Uncertain significance for Spastic paraplegia. Last evaluated: 2022-03-15. Review status: criteria provided, single submitter. Criteria: Invitae Variant Classification Sherloc (09022015). Collection method: clinical testing. Allele origin: germline.
Comment: This sequence change falls in intron 39 of the ZFYVE26 gene. It does not directly change the encoded amino acid sequence of the ZFYVE26 protein. It affects a nucleotide within the consensus splice site. This variant is present in population databases (rs752060381, gnomAD 0.04%). This variant has not been reported in the literature in individuals affected with ZFYVE26-related conditions. Variants that disrupt the consensus splice site are a relatively common cause of aberrant splicing (PMID: 17576681, 9536098). Algorithms developed to predict the effect of sequence changes on RNA splicing suggest that this variant is not likely to affect RNA splicing. In summary, the available evidence is currently insufficient to determine the role of this variant in disease. Therefore, it has been classified as a Variant of Uncertain Significance.

Literature cited by the submitters: PubMed 17576681; PubMed 9536098.